The following is an entry in ClinVar:

ClinVar aggregate classification (germline): Uncertain significance (1 of 4 stars; one submission).

Conditions:
Hereditary cancer-predisposing syndrome. Also called: Tumor predisposition; Hereditary Cancer Syndrome; Hereditary neoplastic syndrome; Neoplastic Syndromes, Hereditary. Identifiers: Orphanet 140162, MedGen C0027672, MeSH D009386, MONDO:0015356.

Submission:

Ambry Genetics
Classification: Uncertain significance for Hereditary cancer-predisposing syndrome. Last evaluated: 2024-05-27. Review status: criteria provided, single submitter. Criteria: Ambry Variant Classification Scheme 2023. Collection method: clinical testing. Allele origin: germline.
Comment: The p.N286I variant (also known as c.857A>T), located in coding exon 9 of the NF2 gene, results from an A to T substitution at nucleotide position 857. The asparagine at codon 286 is replaced by isoleucine, an amino acid with dissimilar properties. This amino acid position is conserved. In addition, the in silico prediction for this alteration is inconclusive. Based on the available evidence, the clinical significance of this variant remains unclear.

NM_000268.4(NF2):c.857A>T (p.Asn286Ile)

Gene: NF2 (NF2, moesin-ezrin-radixin like (MERLIN) tumor suppressor; plus strand). Cytogenetic location: 22q12.2.
Variant type: single nucleotide variant.
Coding change: c.857A>T on transcript NM_000268.4 (MANE Select); coding-DNA position 857, A replaced by T.
Protein change: p.Asn286Ile; replaces asparagine 286 with isoleucine.
Molecular consequence: missense variant. On other transcripts: non-coding transcript variant (1), intron variant (1).
Genome position (GRCh38, 1-based): chr22:29,665,036, A>T. VCF-style: chr22-29665036-A-T. GRCh37 (hg19) VCF-style: chr22-30061025-A-T.
Other names: c.743A>T, p.Asn248Ile (NM_001407053.1, NM_001407056.1); c.734A>T, p.Asn245Ile (NM_001407054.1, NM_001407058.1, NM_181829.3); c.731A>T, p.Asn244Ile (NM_001407055.1, NM_181828.3); c.722A>T, p.Asn241Ile (NM_001407057.1, NM_001407059.1); c.857A>T, p.Asn286Ile (NM_001407060.1, NM_001407066.1, NM_016418.5 and 2 more transcripts); c.599A>T, p.Asn200Ile (NM_001407062.1); c.608A>T, p.Asn203Ile (NM_001407063.1, NM_001407064.1, NM_181830.3 and 1 more transcripts); c.323A>T, p.Asn108Ile (NM_001407065.1); and 2 more; short protein forms N203I, N209I, N108I, N200I, N244I, N245I, N248I, N241I.
Identifiers: ClinVar variation 3299440 (VCV003299440.1).